The following is an entry in ClinVar:

NM_194248.3(OTOF):c.709C>T (p.Arg237Ter)

Gene: OTOF (otoferlin; minus strand). Cytogenetic location: 2p23.3.
Variant type: single nucleotide variant.
Coding change: c.709C>T on transcript NM_194248.3 (MANE Select); coding-DNA position 709, C replaced by T.
Protein change: p.Arg237Ter; replaces arginine 237 with a stop codon.
Molecular consequence: nonsense.
Genome position (GRCh38, 1-based): chr2:26,502,301, G>A on the plus strand (C>T on the coding strand, the complement: OTOF is on the minus strand). VCF-style: chr2-26502301-G-A. GRCh37 (hg19) VCF-style: chr2-26725169-G-A.
Other names: c.709C>T, p.Arg237Ter (NM_001287489.2); short protein forms R237*.
Identifiers: ClinVar variation 65814 (VCV000065814.9), dbSNP rs397515610, ClinGen allele CA345144.
Genomic context (GRCh38, chr2:26,502,301, plus strand): 5'-GCCAGGTCCTGCCTGACAGGGTGGGGGCAGCTGGGGTTGCAGGGCTCCCGTCCACTCACC[G>A]CTTGTTGGAGACATTAGTGGTGAGAGCTGTGACTGAGGCTAGAGACACCGAGTCGGGATC-3'

ClinVar aggregate classification (germline): Pathogenic. Review status: criteria provided, multiple submitters, no conflicts (2 of 4 stars). 4 submissions from 4 submitters: Pathogenic (2). 2 of the submissions do not count toward it. Last evaluated 2025-06-30.

Conditions:
Autosomal recessive nonsyndromic hearing loss 9. Also called: Deafness, autosomal recessive 9; OTOF-Related Hearing Loss; NEUROSENSORY NONSYNDROMIC RECESSIVE DEAFNESS 9; AUDITORY NEUROPATHY, AUTOSOMAL RECESSIVE, 1, TEMPERATURE-SENSITIVE. Identifiers: Orphanet 90636, MedGen C1832828, MONDO:0010986, OMIM 601071.

Allele frequency attached by ClinVar (database versions not stated): ExAC 0.00006.
gnomAD v4.1: 21 of 1,613,972 alleles (0.0013%); highest among the groups gnomAD compares: Non-Finnish European, 0.001%; no homozygotes.

Submissions (4):

GeneDx
Classification: Pathogenic. Last evaluated: 2025-06-30. Review status: criteria provided, single submitter. Criteria: GeneDx Variant Classification Process June 2021. Collection method: clinical testing. Allele origin: germline. Affected: yes.
Comment: Identified with a second OTOF variant in additional unrelated patients with sensorineural hearing loss in published literature (PMID: 35982127); Nonsense variant predicted to result in protein truncation or nonsense mediated decay in a gene for which loss of function is a known mechanism of disease; This variant is associated with the following publications: (PMID: 25525159, 20301429, 37679651, 36056583, 11483641, 38027523, 35982127)

Labcorp Genetics (formerly Invitae), Labcorp
Classification: Pathogenic. Last evaluated: 2023-06-10. Review status: criteria provided, single submitter. Criteria: Invitae Variant Classification Sherloc (09022015). Collection method: clinical testing. Allele origin: germline.
Comment: For these reasons, this variant has been classified as Pathogenic. ClinVar contains an entry for this variant (Variation ID: 65814). This premature translational stop signal has been observed in individual(s) with nonsyndromic sensorineural hearing loss (PMID: 11483641). This variant is present in population databases (rs397515610, gnomAD 0.009%). This sequence change creates a premature translational stop signal (p.Arg237*) in the OTOF gene. It is expected to result in an absent or disrupted protein product. Loss-of-function variants in OTOF are known to be pathogenic (PMID: 18381613, 19250381, 22575033).

Diagnosis and Treatment Center of Genetic Hearing Loss, Eye & ENT Hospital of Fudan University
Classification: Pathogenic for Autosomal recessive nonsyndromic hearing loss 9. Last evaluated: 2026-02-04. Review status: no assertion criteria provided. Collection method: clinical testing. Allele origin: germline. Inheritance: Autosomal recessive inheritance. Affected: yes. Not counted in ClinVar's aggregate classification.
Comment: The c.709C>T nonsense variant in OTOF leads to a premature stop codon and predicted NMD (PVS1). The maximum population frequency is 0.000044 (PM2_Supporting). It has been reported in at least four patients: three with a second pathogenic/likely pathogenic variant (c.709C>T(;)4718T>C, c.709C>T(;)5108_5114delinsTCTTCCTGGG, c.709C>T(;)5360G>A) with uncertain phasing and one homozygous (PM3_Strong). (PMID: 11483641, 35982127)

GeneReviews
No classification provided. Condition: Autosomal recessive nonsyndromic hearing loss 9. Review status: no classification provided. Collection method: literature only. Allele origin: unknown. Not counted in ClinVar's aggregate classification.

Literature cited by the submitters: PubMed 11483641 (cited by 3 submitters); PubMed 18381613 (cited by Labcorp Genetics (formerly Invitae), Labcorp); PubMed 19250381 (cited by Labcorp Genetics (formerly Invitae), Labcorp); PubMed 22575033 (cited by Labcorp Genetics (formerly Invitae), Labcorp); PubMed 35982127 (cited by Diagnosis and Treatment Center of Genetic Hearing Loss, Eye & ENT Hospital of Fudan University); PubMed 20301429 (cited by GeneReviews); NCBI Bookshelf NBK1251 (cited by GeneReviews).